The following is an entry in ClinVar:

NM_001371727.1(GABRB2):c.658A>G (p.Lys220Glu)

Gene: GABRB2 (gamma-aminobutyric acid type A receptor subunit beta2; minus strand). Cytogenetic location: 5q34.
Variant type: single nucleotide variant.
Coding change: c.658A>G on transcript NM_001371727.1 (MANE Select); coding-DNA position 658, A replaced by G.
Protein change: p.Lys220Glu; replaces lysine 220 with glutamic acid.
Molecular consequence: missense variant.
Genome position (GRCh38, 1-based): chr5:161,336,653, T>C on the plus strand (A>G on the coding strand, the complement: GABRB2 is on the minus strand). VCF-style: chr5-161336653-T-C. GRCh37 (hg19) VCF-style: chr5-160763660-T-C.
Other names: c.658A>G, p.Lys220Glu (NM_000813.3, NM_021911.3); short protein forms K220E.
Identifiers: ClinVar variation 983081 (VCV000983081.6), dbSNP rs1754001197, ClinGen allele CA362171874.
Genomic context (GRCh38, chr5:161,336,653, plus strand): 5'-GAAGATTATTTTCCCTTAACACTTTTCCATGATACAAACCTGTGGAAAAAACAACCTTCT[T>C]GGTGATAAGTTTGTAATCTACAATAGAGAACTGTGGAAGTTCAATTTTCGTTACTCCTGT-3'
Protein context (NP_001358656.1, residues 210-230): FSIVDYKLIT[Lys220Glu]KVVFSTGSYP

ClinVar aggregate classification (germline): Uncertain significance. Review status: criteria provided, multiple submitters, no conflicts (2 of 4 stars). 2 submissions from 2 submitters: Uncertain significance (2). Last evaluated 2022-05-10.

Conditions:
Developmental and epileptic encephalopathy 92. Also called: EPILEPTIC ENCEPHALOPATHY, INFANTILE OR EARLY CHILDHOOD, 2. Identifiers: MedGen C4693362, MONDO:0020631, OMIM 617829.
Intellectual disability. Also called: Intellectual functioning disability; intellectual disabilities; Intellectual developmental disorder. Identifiers: MedGen C3714756, MeSH D008607, MONDO:0001071, HP:0001249.

Submissions (2):

Labcorp Genetics (formerly Invitae), Labcorp
Classification: Uncertain significance for Intellectual disability. Last evaluated: 2022-05-10. Review status: criteria provided, single submitter. Criteria: Invitae Variant Classification Sherloc (09022015). Collection method: clinical testing. Allele origin: germline.
Comment: This sequence change replaces lysine, which is basic and polar, with glutamic acid, which is acidic and polar, at codon 220 of the GABRB2 protein (p.Lys220Glu). In summary, the available evidence is currently insufficient to determine the role of this variant in disease. Therefore, it has been classified as a Variant of Uncertain Significance. Advanced modeling of protein sequence and biophysical properties (such as structural, functional, and spatial information, amino acid conservation, physicochemical variation, residue mobility, and thermodynamic stability) performed at Invitae indicates that this missense variant is not expected to disrupt GABRB2 protein function. ClinVar contains an entry for this variant (Variation ID: 983081). This variant has not been reported in the literature in individuals affected with GABRB2-related conditions. This variant is not present in population databases (gnomAD no frequency).

Institute of Human Genetics, University of Leipzig Medical Center
Classification: Uncertain significance for Developmental and epileptic encephalopathy 92. Last evaluated: 2019-01-01. Review status: criteria provided, single submitter. Criteria: ACMG Guidelines, 2015. Collection method: clinical testing. Allele origin: unknown. Affected: yes.